The following is an entry in ClinVar:

ClinVar aggregate classification (germline): Uncertain significance (1 of 4 stars; one submission).

Conditions:
Perlman syndrome (PRLMNS). Identifiers: Orphanet 2849, MedGen C0796113, MONDO:0009965, OMIM 267000.

Submission:

Labcorp Genetics (formerly Invitae), Labcorp
Classification: Uncertain significance for Perlman syndrome. Last evaluated: 2021-10-12. Review status: criteria provided, single submitter. Criteria: Invitae Variant Classification Sherloc (09022015). Collection method: clinical testing. Allele origin: germline.
Comment: This sequence change replaces leucine with proline at codon 607 of the DIS3L2 protein (p.Leu607Pro). The leucine residue is highly conserved and there is a moderate physicochemical difference between leucine and proline. This variant is not present in population databases (ExAC no frequency). This variant has not been reported in the literature in individuals affected with DIS3L2-related conditions. Algorithms developed to predict the effect of missense changes on protein structure and function (SIFT, PolyPhen-2, Align-GVGD) all suggest that this variant is likely to be disruptive. In summary, the available evidence is currently insufficient to determine the role of this variant in disease. Therefore, it has been classified as a Variant of Uncertain Significance.

NM_152383.5(DIS3L2):c.1820T>C (p.Leu607Pro)

Gene: DIS3L2 (DIS3 like 3'-5' exoribonuclease 2; plus strand). Cytogenetic location: 2q37.1.
Variant type: single nucleotide variant.
Coding change: c.1820T>C on transcript NM_152383.5 (MANE Select); coding-DNA position 1820, T replaced by C.
Protein change: p.Leu607Pro; replaces leucine 607 with proline.
Molecular consequence: missense variant. On other transcripts: non-coding transcript variant (2), intron variant (1).
Genome position (GRCh38, 1-based): chr2:232,329,893, T>C. VCF-style: chr2-232329893-T-C. GRCh37 (hg19) VCF-style: chr2-233194603-T-C.
Other names: c.1582-13452T>C (NM_001257281.2); short protein forms L607P.
Identifiers: ClinVar variation 1505568 (VCV001505568.6), dbSNP rs2106348015, ClinGen allele CA350976087.